The following is an entry in ClinVar:

NM_000203.5(IDUA):c.1957C>T (p.Pro653Ser)

Gene: IDUA (alpha-L-iduronidase; plus strand). Cytogenetic location: 4p16.3.
Variant type: single nucleotide variant.
Coding change: c.1957C>T on transcript NM_000203.5 (MANE Select); coding-DNA position 1957, C replaced by T.
Protein change: p.Pro653Ser; replaces proline 653 with serine.
Molecular consequence: missense variant. On other transcripts: non-coding transcript variant (1).
Genome position (GRCh38, 1-based): chr4:1,004,388, C>T. VCF-style: chr4-1004388-C-T. GRCh37 (hg19) VCF-style: chr4-998176-C-T.
Other names: c.1561C>T, p.Pro521Ser (NM_001363576.1); short protein forms P521S, P653S.
Identifiers: ClinVar variation 1402845 (VCV001402845.6), dbSNP rs970991915, ClinGen allele CA91172485.
Genomic context (GRCh38, chr4:1,004,388, plus strand): 5'-TCGGACCCTGTGCCGTACCTGGAGGTCCCTGTGCCAAGAGGGCCCCCATCCCCGGGCAAT[C>T]CATGAGCCTGTGCTGAGCCCCAGTGGGTTGCACCTCCACCGGCAGTCAGCGAGCTGGGGC-3'
Protein context (NP_000194.2, residues 643-653): VPRGPPSPGN[Pro653Ser]

ClinVar aggregate classification (germline): Uncertain significance (1 of 4 stars; one submission).

Conditions:
Mucopolysaccharidosis type 1. Also called: IDUA deficiency; MPS I; Mucopolysaccharidosis Type I. Identifiers: Orphanet 579, MedGen C0023786, MONDO:0001586.

Allele frequency attached by ClinVar (database versions not stated): TOPMed below 0.00001; gnomAD 0.00001.
gnomAD v4.1: 4 of 1,610,342 alleles (0.00025%); highest among the groups gnomAD compares: Middle Eastern, 0.019%; no homozygotes.

Submission:

Labcorp Genetics (formerly Invitae), Labcorp
Classification: Uncertain significance for Mucopolysaccharidosis type 1. Last evaluated: 2025-09-02. Review status: criteria provided, single submitter. Criteria: Invitae Variant Classification Sherloc (09022015). Collection method: clinical testing. Allele origin: germline.
Comment: This sequence change replaces proline, which is neutral and non-polar, with serine, which is neutral and polar, at codon 653 of the IDUA protein (p.Pro653Ser). This variant is not present in population databases (gnomAD no frequency). This variant has not been reported in the literature in individuals affected with IDUA-related conditions. ClinVar contains an entry for this variant (Variation ID: 1402845). Invitae Evidence Modeling of protein sequence and biophysical properties (such as structural, functional, and spatial information, amino acid conservation, physicochemical variation, residue mobility, and thermodynamic stability) indicates that this missense variant is not expected to disrupt IDUA protein function with a negative predictive value of 95%. In summary, the available evidence is currently insufficient to determine the role of this variant in disease. Therefore, it has been classified as a Variant of Uncertain Significance.